The following is an entry in ClinVar:

ClinVar aggregate classification (germline): Uncertain significance. Review status: criteria provided, multiple submitters, no conflicts (2 of 4 stars). 4 submissions from 4 submitters: Uncertain significance (4). Last evaluated 2025-11-10.

Conditions:
Inborn genetic diseases. Identifiers: MedGen C0950123, MeSH D030342.

Allele frequency attached by ClinVar (database versions not stated): gnomAD exomes below 0.00001; gnomAD 0.00001.
gnomAD v4.1: 7 of 1,614,072 alleles (0.00043%); highest among the groups gnomAD compares: Admixed American, 0.01%; no homozygotes.

Submissions (4):

Dasa
Classification: Uncertain significance. Last evaluated: 2025-11-10. Review status: criteria provided, single submitter. Criteria: DASA Assertion Criteria. Collection method: clinical testing. Allele origin: germline.
Comment: NM_001957.4(EDNRA):c.1213A>G (p.Ile405Val) is a missense variant that results in the substitution of isoleucine with valine. This variant is rare in population databases. Computational prediction algorithms are consistent with a benign effect. The currently available literature and clinical evidence are not sufficient to establish a definitive association between this variant and the reported condition. Therefore, this variant is classified as a variant of uncertain significance.

Labcorp Genetics (formerly Invitae), Labcorp
Classification: Uncertain significance. Last evaluated: 2025-10-13. Review status: criteria provided, single submitter. Criteria: Invitae Variant Classification Sherloc (09022015). Collection method: clinical testing. Allele origin: germline.
Comment: This sequence change replaces isoleucine, which is neutral and non-polar, with valine, which is neutral and non-polar, at codon 405 of the EDNRA protein (p.Ile405Val). This variant is present in population databases (no rsID available, gnomAD 0.003%). This variant has not been reported in the literature in individuals affected with EDNRA-related conditions. ClinVar contains an entry for this variant (Variation ID: 1372835). An algorithm developed to predict the effect of missense changes on protein structure and function (PolyPhen-2) suggests that this variant is likely to be tolerated. In summary, the available evidence is currently insufficient to determine the role of this variant in disease. Therefore, it has been classified as a Variant of Uncertain Significance.

Ambry Genetics
Classification: Uncertain significance for Inborn genetic diseases. Last evaluated: 2025-06-07. Review status: criteria provided, single submitter. Criteria: Ambry Variant Classification Scheme 2023. Collection method: clinical testing. Allele origin: germline.

Blueprint Genetics
Classification: Uncertain significance. Last evaluated: 2023-12-05. Review status: criteria provided, single submitter. Criteria: ACMG Guidelines, 2015. Collection method: clinical testing. Allele origin: germline.

NM_001957.4(EDNRA):c.1213A>G (p.Ile405Val)

Gene: EDNRA (endothelin receptor type A; plus strand). Cytogenetic location: 4q31.23.
Variant type: single nucleotide variant.
Coding change: c.1213A>G on transcript NM_001957.4 (MANE Select); coding-DNA position 1213, A replaced by G.
Protein change: p.Ile405Val; replaces isoleucine 405 with valine.
Molecular consequence: missense variant. On other transcripts: non-coding transcript variant (3).
Genome position (GRCh38, 1-based): chr4:147,542,547, A>G. VCF-style: chr4-147542547-A-G. GRCh37 (hg19) VCF-style: chr4-148463699-A-G.
Other names: c.886A>G, p.Ile296Val (NM_001166055.2); c.1213A>G (NM_001957.3); short protein forms I405V, I296V.
Identifiers: ClinVar variation 1372835 (VCV001372835.12), dbSNP rs1368512467, ClinGen allele CA358423465.